The following is an entry in ClinVar:

ClinVar aggregate classification (germline): Pathogenic. Review status: criteria provided, multiple submitters, no conflicts (2 of 4 stars). 3 submissions from 3 submitters: Pathogenic (3). Last evaluated 2025-11-13.

Conditions:
Familial adenomatous polyposis 1 (FAP1). Also called: FAMILIAL ADENOMATOUS POLYPOSIS 1, ATTENUATED; POLYPOSIS, ADENOMATOUS INTESTINAL. Identifiers: MedGen C2713442, MONDO:0021056, OMIM 175100. Disease mechanism: loss of function.
Hereditary cancer-predisposing syndrome. Also called: Tumor predisposition; Hereditary Cancer Syndrome; Hereditary neoplastic syndrome; Neoplastic Syndromes, Hereditary. Identifiers: Orphanet 140162, MedGen C0027672, MeSH D009386, MONDO:0015356.

Submissions (3):

Labcorp Genetics (formerly Invitae), Labcorp
Classification: Pathogenic for Familial adenomatous polyposis 1. Last evaluated: 2025-11-13. Review status: criteria provided, single submitter. Criteria: Invitae Variant Classification Sherloc (09022015). Collection method: clinical testing. Allele origin: germline.
Comment: This sequence change falls in intron 5 of the APC gene. It does not directly change the encoded amino acid sequence of the APC protein. RNA analysis indicates that this variant induces altered splicing and may result in an absent or altered protein product. This variant is not present in population databases (gnomAD no frequency). This variant has been observed in individual(s) with familial adenomatous polyposis (FAP) and attenuated FAP (PMID: 15131404, 23159591). In at least one individual the variant was observed to be de novo. This variant is also known as IVS4+2insT and c.531+2_531+3insT. ClinVar contains an entry for this variant (Variation ID: 411336). Variants that disrupt the consensus splice site are a relatively common cause of aberrant splicing (PMID: 17576681, 9536098). Studies have shown that this variant results in skipping of exon 5 (also known as exon 4 in the literature), and produces a non-functional protein and/or introduces a premature termination codon (PMID: 15131404). For these reasons, this variant has been classified as Pathogenic.

Myriad Genetics, Inc.
Classification: Pathogenic for Familial adenomatous polyposis 1. Last evaluated: 2023-04-27. Review status: criteria provided, single submitter. Criteria: Myriad Autosomal Dominant, Autosomal Recessive and X-Linked Classification Criteria (2023). Collection method: clinical testing. Allele origin: unknown.
Comment: This variant is considered pathogenic. This variant occurs within a consensus splice junction and is predicted to result in abnormal mRNA splicing of either an out-of-frame exon or an in-frame exon necessary for protein stability and/or normal function. mRNA analysis has demonstrated abnormal mRNA splicing occurs [PMID: 15131404].

Ambry Genetics
Classification: Pathogenic for Hereditary cancer-predisposing syndrome. Last evaluated: 2023-02-16. Review status: criteria provided, single submitter. Criteria: Ambry Variant Classification Scheme 2023. Collection method: clinical testing. Allele origin: germline.
Comment: The c.531+2dupT intronic pathogenic mutation, results from a duplication of one nucleotide at the +2 position after coding exon 4 of the APC gene. This alteration has been observed in individuals with a personal and/or family history that is consistent with APC-related disease (Ambry internal data; Neklason DW et al. Fam. Cancer 2004 ; 3(1):35-40; Kerr SE et al. J Mol Diagn 2013 Jan; 15(1):31-43). In silico splice site analysis predicts that this alteration will weaken the native splice donor site. RNA studies have demonstrated that this alteration results a transcript which deletes exon 4 and is subject to nonsense-mediated decay (Ambry internal data; Neklason DW et al. Fam. Cancer 2004 ; 3(1):35-40). As such, this alteration is classified as pathogenic.

Literature cited by the submitters: PubMed 15131404 (cited by 3 submitters); PubMed 23159591 (cited by Labcorp Genetics (formerly Invitae), Labcorp and Ambry Genetics); PubMed 17576681 (cited by Labcorp Genetics (formerly Invitae), Labcorp); PubMed 9536098 (cited by Labcorp Genetics (formerly Invitae), Labcorp).

NM_000038.6(APC):c.531+2dup

Gene: APC (APC regulator of Wnt signaling pathway; plus strand). Cytogenetic location: 5q22.2.
Variant type: Duplication.
Coding change: c.531+2dup on transcript NM_000038.6 (MANE Select); the canonical splice donor site of the intron after coding-DNA position 531, one base duplicated (T; older notation c.531+2dupT).
Molecular consequence: splice donor variant.
Genome position (GRCh38, 1-based): chr5:112,775,739, T duplicated. VCF-style (leftmost placement, unchanged base first): chr5-112775738-G-GT. GRCh37 (hg19) VCF-style: chr5-112111435-G-GT.
Other names: c.531+2dup (NM_001354895.2, NM_001127510.3, NM_001354896.2 and 2 more transcripts); c.561+2dup (NM_001354897.2, NM_001354902.2, NM_001127511.3); c.456+2dup (NM_001354898.2, NM_001354904.2); c.-505+2dup (NM_001354906.2); c.354+2dup (NM_001354900.2, NM_001354901.2, NM_001354905.2).
Identifiers: ClinVar variation 411336 (VCV000411336.50), dbSNP rs1060503257, ClinGen allele CA16611556.